The following is an entry in ClinVar:

NM_007126.5(VCP):c.1457A>T (p.Lys486Ile)

Gene: VCP (valosin containing protein; minus strand). Cytogenetic location: 9p13.3.
Variant type: single nucleotide variant.
Coding change: c.1457A>T on transcript NM_007126.5 (MANE Select); coding-DNA position 1457, A replaced by T.
Protein change: p.Lys486Ile; replaces lysine 486 with isoleucine.
Molecular consequence: missense variant.
Genome position (GRCh38, 1-based): chr9:35,060,826, T>A on the plus strand (A>T on the coding strand, the complement: VCP is on the minus strand). VCF-style: chr9-35060826-T-A. GRCh37 (hg19) VCF-style: chr9-35060823-T-A.
Other names: c.1322A>T, p.Lys441Ile (NM_001354927.2, NM_001354928.2); short protein forms K486I, K441I.
Identifiers: ClinVar variation 1773073 (VCV001773073.2), dbSNP rs375649091, ClinGen allele CA5039252.
Genomic context (GRCh38, chr9:35,060,826, plus strand): 5'-GAGACAGTGACTCACCCTGGACCAAGTTGCCCTACCTGGACCAGCTCCTGTAGCTCACGT[T>A]TGACATCCTCTAGGCCCCCGATGTCTTCCCAGGTTACCTGTGGCACCTCTACCACGGTTT-3'
Protein context (NP_009057.1, residues 476-496): WEDIGGLEDV[Lys486Ile]RELQELVQYP

ClinVar aggregate classification (germline): Uncertain significance (1 of 4 stars; one submission).

Conditions:
Inborn genetic diseases. Identifiers: MedGen C0950123, MeSH D030342.

Allele frequency attached by ClinVar (database versions not stated): gnomAD 0.00001; ExAC 0.00002; TOPMed 0.00002; ESP Exome Variant Server 0.00008.
gnomAD v4.1: 2 of 1,614,078 alleles (0.00012%); highest among the groups gnomAD compares: African/African-American, 0.0027%; no homozygotes.

Submission:

Ambry Genetics
Classification: Uncertain significance for Inborn genetic diseases. Last evaluated: 2020-11-10. Review status: criteria provided, single submitter. Criteria: Ambry Variant Classification Scheme 2023. Collection method: clinical testing. Allele origin: germline.
Comment: The p.K486I variant (also known as c.1457A>T), located in coding exon 12 of the VCP gene, results from an A to T substitution at nucleotide position 1457. The lysine at codon 486 is replaced by isoleucine, an amino acid with dissimilar properties. This amino acid position is highly conserved in available vertebrate species. In addition, this alteration is predicted to be deleterious by in silico analysis. Since supporting evidence is limited at this time, the clinical significance of this alteration remains unclear.